The following is an entry in ClinVar:

ClinVar aggregate classification (germline): Uncertain significance. Review status: criteria provided, multiple submitters, no conflicts (2 of 4 stars). 3 submissions from 3 submitters: Uncertain significance (3). Last evaluated 2026-01-07.

Conditions:
Hereditary cancer-predisposing syndrome. Also called: Hereditary neoplastic syndrome; Tumor predisposition; Hereditary Cancer Syndrome; Neoplastic Syndromes, Hereditary. Identifiers: Orphanet 140162, MedGen C0027672, MeSH D009386, MONDO:0015356.

Allele frequency attached by ClinVar (database versions not stated): TOPMed 0.00002; gnomAD exomes 0.00003 and 0.00005; gnomAD 0.00003 and 0.00004; ExAC 0.00005.

Submissions (4):

Ambry Genetics
Classification: Uncertain significance for Hereditary cancer-predisposing syndrome. Last evaluated: 2026-01-07. Review status: criteria provided, single submitter. Criteria: Ambry Variant Classification Scheme 2023. Collection method: clinical testing. Allele origin: germline.
Comment: The c.5678+5G>A intronic variant results from a G to A substitution 5 nucleotides after coding exon 41 in the POLE gene. This nucleotide position is well conserved in available vertebrate species. In silico splice site analysis predicts that this alteration will not have any significant effect on splicing. Based on the available evidence, the clinical significance of this variant remains unclear.

Labcorp Genetics (formerly Invitae), Labcorp
Classification: Uncertain significance. Last evaluated: 2025-10-29. Review status: criteria provided, single submitter. Criteria: Invitae Variant Classification Sherloc (09022015). Collection method: clinical testing. Allele origin: germline.
Comment: This sequence change falls in intron 41 of the POLE gene. It does not directly change the encoded amino acid sequence of the POLE protein. It affects a nucleotide within the consensus splice site. This variant is present in population databases (rs779223088, gnomAD 0.01%). This variant has not been reported in the literature in individuals affected with POLE-related conditions. ClinVar contains an entry for this variant (Variation ID: 405588). Variants that disrupt the consensus splice site are a relatively common cause of aberrant splicing (PMID: 17576681, 9536098). RNA analysis performed to evaluate the impact of this variant on mRNA splicing indicates it does not significantly alter splicing (internal data). In summary, the available evidence is currently insufficient to determine the role of this variant in disease. Therefore, it has been classified as a Variant of Uncertain Significance.

GeneDx
Classification: Uncertain significance. Last evaluated: 2022-05-14. Review status: criteria provided, single submitter. Criteria: GeneDx Variant Classification Process June 2021. Collection method: clinical testing. Allele origin: germline. Affected: yes.
Comment: In silico analysis supports that this variant does not alter splicing; Has not been previously published as pathogenic or benign to our knowledge

Dr. Peter K. Rogan Lab, Western University
No classification provided (evidence only). Condition: Squamous cell carcinoma of the head and neck. Review status: no classification provided. Collection method: in vitro. Allele origin: not applicable. Functional consequence: retained intron. Not counted in ClinVar's aggregate classification.

Literature cited by the submitters: PubMed 17576681 (cited by Labcorp Genetics (formerly Invitae), Labcorp); PubMed 9536098 (cited by Labcorp Genetics (formerly Invitae), Labcorp).

NM_006231.4(POLE):c.5678+5G>A

Gene: POLE (DNA polymerase epsilon, catalytic subunit; minus strand). Cytogenetic location: 12q24.33.
Variant type: single nucleotide variant.
Coding change: c.5678+5G>A on transcript NM_006231.4 (MANE Select); 5 bases into the intron after coding-DNA position 5678, G replaced by A.
Molecular consequence: intron variant.
Genome position (GRCh38, 1-based): chr12:132,638,009, C>T on the plus strand (G>A on the coding strand, the complement: POLE is on the minus strand). VCF-style: chr12-132638009-C-T. GRCh37 (hg19) VCF-style: chr12-133214595-C-T.
Identifiers: ClinVar variation 405588 (VCV000405588.20), dbSNP rs779223088, ClinGen allele CA6892441.